The following is an entry in ClinVar:

NM_024642.5(GALNT12):c.689dup (p.His230fs)

Gene: GALNT12 (polypeptide N-acetylgalactosaminyltransferase 12; plus strand). Cytogenetic location: 9q22.33.
Variant type: Duplication.
Coding change: c.689dup on transcript NM_024642.5 (MANE Select); coding-DNA position 689, one base duplicated (A; older notation c.689dupA).
Protein change: p.His230fs; shifts the reading frame from histidine 230.
Molecular consequence: frameshift variant.
Genome position (GRCh38, 1-based): chr9:98,826,899, A duplicated. VCF-style (leftmost placement, unchanged base first): chr9-98826898-C-CA. GRCh37 (hg19) VCF-style: chr9-101589180-C-CA.
Other names: short protein forms H230fs.
Identifiers: ClinVar variation 1756034 (VCV001756034.2), dbSNP rs1835870817, ClinGen allele CA1867136288.

ClinVar aggregate classification (germline): Uncertain significance (1 of 4 stars; one submission).

Allele frequency attached by ClinVar (database versions not stated): TOPMed below 0.00001.

Submission:

Ambry Genetics
Classification: Uncertain significance. Last evaluated: 2022-09-11. Review status: criteria provided, single submitter. Criteria: Ambry Variant Classification Scheme 2023. Collection method: clinical testing. Allele origin: germline.
Comment: The c.689dupA variant, located in coding exon 3 of the GALNT12 gene, results from a duplication of A at nucleotide position 689, causing a translational frameshift with a predicted alternate stop codon (p.H230Qfs*3). This alteration is expected to result in loss of function by premature protein truncation or nonsense-mediated mRNA decay. However, the evidence for this gene-disease relationship is limited; therefore, the clinical significance of this alteration is unclear.